The following is an entry in ClinVar:

NM_000535.7(PMS2):c.2495C>T (p.Thr832Ile)

Gene: PMS2 (PMS1 homolog 2, mismatch repair system component; minus strand). Cytogenetic location: 7p22.1.
Variant type: single nucleotide variant.
Coding change: c.2495C>T on transcript NM_000535.7 (MANE Select); coding-DNA position 2495, C replaced by T.
Protein change: p.Thr832Ile; replaces threonine 832 with isoleucine.
Molecular consequence: missense variant. On other transcripts: non-coding transcript variant (1).
Genome position (GRCh38, 1-based): chr7:5,973,493, G>A on the plus strand (C>T on the coding strand, the complement: PMS2 is on the minus strand). VCF-style: chr7-5973493-G-A. GRCh37 (hg19) VCF-style: chr7-6013124-G-A.
Other names: c.2387C>T, p.Thr796Ile (NM_001406869.1); c.2372C>T, p.Thr791Ile (NM_001406870.1); c.2351C>T, p.Thr784Ile (NM_001406871.1); c.2327C>T, p.Thr776Ile (NM_001406872.1, NM_001406874.1); c.2297C>T, p.Thr766Ile (NM_001406873.1); c.2219C>T, p.Thr740Ile (NM_001406875.1); c.2210C>T, p.Thr737Ile (NM_001406876.1); c.2186C>T, p.Thr729Ile (NM_001406877.1, NM_001406878.1, NM_001406879.1 and 4 more transcripts); and 20 more; short protein forms T521I, T645I, T661I, T697I, T710I, T726I, T740I, T843I.
Identifiers: ClinVar variation 2562208 (VCV002562208.2), dbSNP rs2128658339, ClinGen allele CA366734936.

ClinVar aggregate classification (germline): Uncertain significance (1 of 4 stars; one submission).

Conditions:
Hereditary cancer-predisposing syndrome. Also called: Neoplastic Syndromes, Hereditary; Hereditary Cancer Syndrome; Hereditary neoplastic syndrome; Tumor predisposition. Identifiers: Orphanet 140162, MedGen C0027672, MeSH D009386, MONDO:0015356.

Submission:

Ambry Genetics
Classification: Uncertain significance for Hereditary cancer-predisposing syndrome. Last evaluated: 2023-05-07. Review status: criteria provided, single submitter. Criteria: Ambry Variant Classification Scheme 2023. Collection method: clinical testing. Allele origin: germline.
Comment: The p.T832I variant (also known as c.2495C>T), located in coding exon 15 of the PMS2 gene, results from a C to T substitution at nucleotide position 2495. The threonine at codon 832 is replaced by isoleucine, an amino acid with similar properties. This amino acid position is conserved. In addition, this alteration is predicted to be tolerated by in silico analysis. Since supporting evidence is limited at this time, the clinical significance of this alteration remains unclear.